The following is an entry in ClinVar:

NM_003072.5(SMARCA4):c.199G>A (p.Asp67Asn)

Gene: SMARCA4 (SWI/SNF related BAF chromatin remodeling complex subunit ATPase 4; plus strand). Cytogenetic location: 19p13.2.
Variant type: single nucleotide variant.
Coding change: c.199G>A on transcript NM_003072.5 (MANE Select); coding-DNA position 199, G replaced by A.
Protein change: p.Asp67Asn; replaces aspartic acid 67 with asparagine.
Molecular consequence: missense variant. On other transcripts: non-coding transcript variant (1).
Genome position (GRCh38, 1-based): chr19:10,984,350, G>A. VCF-style: chr19-10984350-G-A. GRCh37 (hg19) VCF-style: chr19-11095026-G-A.
Other names: c.199G>A, p.Asp67Asn (NM_001128844.3, NM_001128845.2, NM_001128846.2 and 4 more transcripts); short protein forms D67N.
Identifiers: ClinVar variation 834590 (VCV000834590.8), dbSNP rs2085821918, ClinGen allele CA404054635.

ClinVar aggregate classification (germline): Uncertain significance. Review status: criteria provided, multiple submitters, no conflicts (2 of 4 stars). 2 submissions from 2 submitters: Uncertain significance (2). Last evaluated 2025-07-17.

Conditions:
Hereditary cancer-predisposing syndrome. Also called: Hereditary neoplastic syndrome; Neoplastic Syndromes, Hereditary; Tumor predisposition; Hereditary Cancer Syndrome. Identifiers: Orphanet 140162, MedGen C0027672, MeSH D009386, MONDO:0015356.
Rhabdoid tumor predisposition syndrome 2 (RTPS2). Identifiers: Orphanet 231108, Orphanet 69077, MedGen C2750074, MONDO:0013224, OMIM 613325.

Submissions (2):

Ambry Genetics
Classification: Uncertain significance for Hereditary cancer-predisposing syndrome. Last evaluated: 2025-07-17. Review status: criteria provided, single submitter. Criteria: Ambry Variant Classification Scheme 2023. Collection method: clinical testing. Allele origin: germline.
Comment: The p.D67N variant (also known as c.199G>A), located in coding exon 1 of the SMARCA4 gene, results from a G to A substitution at nucleotide position 199. The aspartic acid at codon 67 is replaced by asparagine, an amino acid with highly similar properties. This amino acid position is not well conserved in available vertebrate species. In addition, this alteration is predicted to be tolerated by in silico analysis. Based on the available evidence, the clinical significance of this variant remains unclear.

Labcorp Genetics (formerly Invitae), Labcorp
Classification: Uncertain significance for Rhabdoid tumor predisposition syndrome 2. Last evaluated: 2024-04-10. Review status: criteria provided, single submitter. Criteria: Invitae Variant Classification Sherloc (09022015). Collection method: clinical testing. Allele origin: germline.
Comment: This sequence change replaces aspartic acid, which is acidic and polar, with asparagine, which is neutral and polar, at codon 67 of the SMARCA4 protein (p.Asp67Asn). This variant is not present in population databases (gnomAD no frequency). This variant has not been reported in the literature in individuals affected with SMARCA4-related conditions. ClinVar contains an entry for this variant (Variation ID: 834590). Advanced modeling of protein sequence and biophysical properties (such as structural, functional, and spatial information, amino acid conservation, physicochemical variation, residue mobility, and thermodynamic stability) performed at Invitae indicates that this missense variant is not expected to disrupt SMARCA4 protein function with a negative predictive value of 95%. In summary, the available evidence is currently insufficient to determine the role of this variant in disease. Therefore, it has been classified as a Variant of Uncertain Significance.